The following is an entry in ClinVar:

ClinVar aggregate classification (germline): Uncertain significance (1 of 4 stars; one submission).

Conditions:
Dyskeratosis congenita. Identifiers: Orphanet 1775, MedGen C0265965, MONDO:0015780.

Submission:

Labcorp Genetics (formerly Invitae), Labcorp
Classification: Uncertain significance for Dyskeratosis congenita. Last evaluated: 2023-12-15. Review status: criteria provided, single submitter. Criteria: Invitae Variant Classification Sherloc (09022015). Collection method: clinical testing. Allele origin: germline.
Comment: This sequence change replaces aspartic acid, which is acidic and polar, with histidine, which is basic and polar, at codon 103 of the TINF2 protein (p.Asp103His). This variant is not present in population databases (gnomAD no frequency). This variant has not been reported in the literature in individuals affected with TINF2-related conditions. An algorithm developed to predict the effect of missense changes on protein structure and function (PolyPhen-2) suggests that this variant is likely to be disruptive. In summary, the available evidence is currently insufficient to determine the role of this variant in disease. Therefore, it has been classified as a Variant of Uncertain Significance.

NM_001099274.3(TINF2):c.307G>C (p.Asp103His)

Gene: TINF2 (TERF1 interacting nuclear factor 2; minus strand). Cytogenetic location: 14q12.
Variant type: single nucleotide variant.
Coding change: c.307G>C on transcript NM_001099274.3 (MANE Select); coding-DNA position 307, G replaced by C.
Protein change: p.Asp103His; replaces aspartic acid 103 with histidine.
Molecular consequence: missense variant.
Genome position (GRCh38, 1-based): chr14:24,241,767, C>G on the plus strand (G>C on the coding strand, the complement: TINF2 is on the minus strand). VCF-style: chr14-24241767-C-G. GRCh37 (hg19) VCF-style: chr14-24710973-C-G.
Other names: c.202G>C, p.Asp68His (NM_001363668.2); c.307G>C, p.Asp103His (NM_012461.3); short protein forms D68H, D103H.
Identifiers: ClinVar variation 2914644 (VCV002914644.3), dbSNP rs2502464442, ClinGen allele CA389233462.